The following is an entry in ClinVar:

ClinVar aggregate classification (germline): Uncertain significance (1 of 4 stars; one submission).

Conditions:
Vici syndrome (VICIS). Identifiers: Orphanet 1493, MedGen C1855772, MONDO:0009452, OMIM 242840.

Submission:

Labcorp Genetics (formerly Invitae), Labcorp
Classification: Uncertain significance for Vici syndrome. Last evaluated: 2022-07-30. Review status: criteria provided, single submitter. Criteria: Invitae Variant Classification Sherloc (09022015). Collection method: clinical testing. Allele origin: germline.
Comment: In summary, the available evidence is currently insufficient to determine the role of this variant in disease. Therefore, it has been classified as a Variant of Uncertain Significance. This sequence change replaces alanine, which is neutral and non-polar, with threonine, which is neutral and polar, at codon 1505 of the EPG5 protein (p.Ala1505Thr). This variant is not present in population databases (gnomAD no frequency). This variant has not been reported in the literature in individuals affected with EPG5-related conditions. ClinVar contains an entry for this variant (Variation ID: 1060599). Algorithms developed to predict the effect of missense changes on protein structure and function output the following: SIFT: "Tolerated"; PolyPhen-2: "Benign"; Align-GVGD: "Class C0". The threonine amino acid residue is found in multiple mammalian species, which suggests that this missense change does not adversely affect protein function.

NM_020964.3(EPG5):c.4513G>A (p.Ala1505Thr)

Gene: EPG5 (ectopic P-granules 5 autophagy tethering factor; minus strand). Cytogenetic location: 18q21.1.
Variant type: single nucleotide variant.
Coding change: c.4513G>A on transcript NM_020964.3 (MANE Select); coding-DNA position 4513, G replaced by A.
Protein change: p.Ala1505Thr; replaces alanine 1505 with threonine.
Molecular consequence: missense variant.
Genome position (GRCh38, 1-based): chr18:45,901,129, C>T on the plus strand (G>A on the coding strand, the complement: EPG5 is on the minus strand). VCF-style: chr18-45901129-C-T. GRCh37 (hg19) VCF-style: chr18-43481094-C-T.
Other names: short protein forms A1505T.
Identifiers: ClinVar variation 1060599 (VCV001060599.10), dbSNP rs2145589544, ClinGen allele CA402337875.